The following is an entry in ClinVar:

NM_018341.3(ERMARD):c.1736G>A (p.Ser579Asn)

Gene: ERMARD (ER membrane associated RNA degradation; plus strand). Cytogenetic location: 6q27.
Variant type: single nucleotide variant.
Coding change: c.1736G>A on transcript NM_018341.3 (MANE Select); coding-DNA position 1736, G replaced by A.
Protein change: p.Ser579Asn; replaces serine 579 with asparagine.
Molecular consequence: missense variant. On other transcripts: intron variant (2).
Genome position (GRCh38, 1-based): chr6:169,776,670, G>A. VCF-style: chr6-169776670-G-A. GRCh37 (hg19) VCF-style: chr6-170176766-G-A.
Other names: c.1358G>A, p.Ser453Asn (NM_001278532.2); c.1328G>A, p.Ser443Asn (NM_001410957.1); c.1598+259G>A (NM_001278531.2); c.1520+605G>A (NM_001278533.2); short protein forms S453N, S443N, S579N.
Identifiers: ClinVar variation 2803752 (VCV002803752.3), dbSNP rs1793642497, ClinGen allele CA366504990.

ClinVar aggregate classification (germline): Uncertain significance (1 of 4 stars; one submission).

Allele frequency attached by ClinVar (database versions not stated): gnomAD 0.00001; TOPMed below 0.00001.
gnomAD v4.1: 1 of 1,613,222 alleles (0.000062%); highest among the groups gnomAD compares: Non-Finnish European, 0.000085%; no homozygotes.

Submission:

Labcorp Genetics (formerly Invitae), Labcorp
Classification: Uncertain significance. Last evaluated: 2025-10-02. Review status: criteria provided, single submitter. Criteria: Invitae Variant Classification Sherloc (09022015). Collection method: clinical testing. Allele origin: germline.
Comment: This sequence change replaces serine, which is neutral and polar, with asparagine, which is neutral and polar, at codon 579 of the ERMARD protein (p.Ser579Asn). This variant is not present in population databases (gnomAD no frequency). This variant has not been reported in the literature in individuals affected with ERMARD-related conditions. ClinVar contains an entry for this variant (Variation ID: 2803752). Invitae Evidence Modeling of protein sequence and biophysical properties (such as structural, functional, and spatial information, amino acid conservation, physicochemical variation, residue mobility, and thermodynamic stability) indicates that this missense variant is not expected to disrupt ERMARD protein function with a negative predictive value of 80%. In summary, the available evidence is currently insufficient to determine the role of this variant in disease. Therefore, it has been classified as a Variant of Uncertain Significance.